The following is an entry in ClinVar:

ClinVar aggregate classification (germline): Uncertain significance (1 of 4 stars; one submission).

Submission:

Ambry Genetics
Classification: Uncertain significance. Last evaluated: 2025-09-01. Review status: criteria provided, single submitter. Criteria: Ambry Variant Classification Scheme 2023. Collection method: clinical testing. Allele origin: germline.
Comment: The p.Q614E variant (also known as c.1840C>G), located in coding exon 8 of the RNF43 gene, results from a C to G substitution at nucleotide position 1840. The glutamine at codon 614 is replaced by glutamic acid, an amino acid with highly similar properties. This amino acid position is conserved. In addition, this alteration is predicted to be tolerated by in silico analysis. Based on the available evidence, the clinical significance of this variant remains unclear.

NM_017763.6(RNF43):c.1840C>G (p.Gln614Glu)

Gene: RNF43 (ring finger protein 43; minus strand). Cytogenetic location: 17q22.
Variant type: single nucleotide variant.
Coding change: c.1840C>G on transcript NM_017763.6 (MANE Select); coding-DNA position 1840, C replaced by G.
Protein change: p.Gln614Glu; replaces glutamine 614 with glutamic acid.
Molecular consequence: missense variant.
Genome position (GRCh38, 1-based): chr17:58,357,936, G>C on the plus strand (C>G on the coding strand, the complement: RNF43 is on the minus strand). VCF-style: chr17-58357936-G-C. GRCh37 (hg19) VCF-style: chr17-56435297-G-C.
Other names: c.1840C>G, p.Gln614Glu (NM_001305544.3, NM_001438820.1, NM_001438821.1 and 1 more transcripts); c.1459C>G, p.Gln487Glu (NM_001305545.2, NM_001437987.1); short protein forms Q487E, Q614E.
Identifiers: ClinVar variation 4155808 (VCV004155808.1).
Genomic context (GRCh38, chr17:58,357,936, plus strand): 5'-GGCAGATGCTGGAGGCGTCAACTGGGCCAGGGGCTGGCTCAGGGAGGGCCCTGGGGCACT[G>C]TGGGTTAGAGAGCCGCCCCGAAGGGGCTGCTGAGTTGGATCTGGTGACTTGCTGATCAGG-3'
Protein context (NP_060233.3, residues 604-624): AAPSGRLSNP[Gln614Glu]CPRALPEPAP